The following is an entry in ClinVar:

ClinVar aggregate classification (germline): Likely benign. Review status: criteria provided, multiple submitters, no conflicts (2 of 4 stars). 2 submissions from 2 submitters: Likely benign (2). Last evaluated 2025-05-05.

Conditions:
Familial adenomatous polyposis 1 (FAP1). Also called: FAMILIAL ADENOMATOUS POLYPOSIS 1, ATTENUATED; POLYPOSIS, ADENOMATOUS INTESTINAL. Identifiers: MedGen C2713442, MONDO:0021056, OMIM 175100. Disease mechanism: loss of function.

Allele frequency attached by ClinVar (database versions not stated): gnomAD exomes 0.00001; TOPMed 0.00003; ESP Exome Variant Server 0.00008.

Submissions (2):

Labcorp Genetics (formerly Invitae), Labcorp
Classification: Likely benign for Familial adenomatous polyposis 1. Last evaluated: 2025-05-05. Review status: criteria provided, single submitter. Criteria: Invitae Variant Classification Sherloc (09022015). Collection method: clinical testing. Allele origin: germline.

Myriad Genetics, Inc.
Classification: Likely benign for Familial adenomatous polyposis 1. Last evaluated: 2024-03-01. Review status: criteria provided, single submitter. Criteria: Myriad Autosomal Dominant, Autosomal Recessive and X-Linked Classification Criteria (2023). Collection method: clinical testing. Allele origin: unknown.
Comment: This variant is considered likely benign. This variant is intronic and is not expected to impact mRNA splicing.

NM_000038.6(APC):c.1313-10T>C

Gene: APC (APC regulator of Wnt signaling pathway; plus strand). Cytogenetic location: 5q22.2.
Variant type: single nucleotide variant.
Coding change: c.1313-10T>C on transcript NM_000038.6 (MANE Select); 10 bases into the intron before coding-DNA position 1313, T replaced by C.
Molecular consequence: intron variant.
Genome position (GRCh38, 1-based): chr5:112,821,886, T>C. VCF-style: chr5-112821886-T-C. GRCh37 (hg19) VCF-style: chr5-112157583-T-C.
Other names: c.1313-10T>C (NM_001354895.2, NM_001127510.3, NM_001354896.2); c.1343-10T>C (NM_001354897.2); c.1040-10T>C (NM_001354902.2); c.1259-10T>C (NM_001127511.3); c.1238-10T>C (NM_001354898.2); c.935-10T>C (NM_001354904.2); c.464-10T>C (NM_001354906.2); c.1010-10T>C (NM_001354903.2); and 3 more.
Identifiers: ClinVar variation 537654 (VCV000537654.14), dbSNP rs373744889, ClinGen allele CA124973055.